The following is an entry in ClinVar:

NM_001349206.2(LPIN1):c.1369T>G (p.Ser457Ala)

Genes: LPIN1 (lipin 1; plus strand), LOC122756382 (Sharpr-MPRA regulatory region 7856; plus strand). Cytogenetic location: 2p25.1.
Variant type: single nucleotide variant.
Coding change: c.1369T>G on transcript NM_001349206.2 (MANE Select); coding-DNA position 1369, T replaced by G.
Protein change: p.Ser457Ala; replaces serine 457 with alanine.
Molecular consequence: missense variant. On other transcripts: non-coding transcript variant (1).
Genome position (GRCh38, 1-based): chr2:11,784,896, T>G. VCF-style: chr2-11784896-T-G. GRCh37 (hg19) VCF-style: chr2-11925022-T-G.
Other names: c.1279T>G, p.Ser427Ala (NM_001261427.3); c.1516T>G, p.Ser506Ala (NM_001261428.3); c.1261T>G, p.Ser421Ala (NM_001349199.2, NM_001349200.2, NM_001349201.2 and 1 more transcripts); c.1366T>G, p.Ser456Ala (NM_001349202.2, NM_001349203.2); c.1369T>G, p.Ser457Ala (NM_001349204.2, NM_001349205.2); c.1459T>G, p.Ser487Ala (NM_001349207.2); c.1408T>G, p.Ser470Ala (NM_001349208.2); short protein forms S456A, S427A, S470A, S506A, S421A, S457A, S487A.
Identifiers: ClinVar variation 1385006 (VCV001385006.6), dbSNP rs2148660867, ClinGen allele CA345857354.

ClinVar aggregate classification (germline): Uncertain significance (1 of 4 stars; one submission).

gnomAD v4.1: 5 of 1,613,880 alleles (0.00031%); highest among the groups gnomAD compares: Non-Finnish European, 0.00042%; no homozygotes.

Submission:

Labcorp Genetics (formerly Invitae), Labcorp
Classification: Uncertain significance. Last evaluated: 2022-06-05. Review status: criteria provided, single submitter. Criteria: Invitae Variant Classification Sherloc (09022015). Collection method: clinical testing. Allele origin: germline.
Comment: This sequence change replaces serine, which is neutral and polar, with alanine, which is neutral and non-polar, at codon 421 of the LPIN1 protein (p.Ser421Ala). This variant is not present in population databases (gnomAD no frequency). This variant has not been reported in the literature in individuals affected with LPIN1-related conditions. ClinVar contains an entry for this variant (Variation ID: 1385006). Algorithms developed to predict the effect of missense changes on protein structure and function output the following: SIFT: "Tolerated"; PolyPhen-2: "Benign"; Align-GVGD: "Class C0". The alanine amino acid residue is found in multiple mammalian species, which suggests that this missense change does not adversely affect protein function. In summary, the available evidence is currently insufficient to determine the role of this variant in disease. Therefore, it has been classified as a Variant of Uncertain Significance.